The following is an entry in ClinVar:

ClinVar aggregate classification (germline): Uncertain significance. Review status: criteria provided, multiple submitters, no conflicts (2 of 4 stars). 5 submissions from 5 submitters: Uncertain significance (5). Last evaluated 2024-12-16.

Conditions:
ATM-related cancer predisposition. Also called: ATM-related cancer susceptibility. Identifiers: MedGen CN377759, MONDO:0700270.
Hereditary cancer-predisposing syndrome. Also called: Hereditary neoplastic syndrome; Hereditary Cancer Syndrome; Neoplastic Syndromes, Hereditary; Tumor predisposition. Identifiers: Orphanet 140162, MedGen C0027672, MeSH D009386, MONDO:0015356.
Ataxia-telangiectasia syndrome (AT). Also called: Ataxia telangiectasia (A-T); Cerebello-oculocutaneous telangiectasia; Immunodeficiency with ataxia telangiectasia; Ataxia-telangiectasia, complementation group E; LOUIS-BAR SYNDROME; Ataxia-telangiectasia, complementation group D. Identifiers: Orphanet 100, MedGen C0004135, MONDO:0008840, OMIM 208900.

Allele frequency attached by ClinVar (database versions not stated): ExAC 0.00001; gnomAD exomes below 0.00001.
gnomAD v4.1: 3 of 1,613,428 alleles (0.00019%); highest among the groups gnomAD compares: Non-Finnish European, 0.00025%; no homozygotes.

Submissions (5):

Labcorp Genetics (formerly Invitae), Labcorp
Classification: Uncertain significance for Ataxia-telangiectasia syndrome. Last evaluated: 2024-12-16. Review status: criteria provided, single submitter. Criteria: Invitae Variant Classification Sherloc (09022015). Collection method: clinical testing. Allele origin: germline.
Comment: This sequence change replaces threonine, which is neutral and polar, with alanine, which is neutral and non-polar, at codon 1363 of the ATM protein (p.Thr1363Ala). This variant is present in population databases (rs587779837, gnomAD 0.0009%). This variant has not been reported in the literature in individuals affected with ATM-related conditions. ClinVar contains an entry for this variant (Variation ID: 127381). Invitae Evidence Modeling of protein sequence and biophysical properties (such as structural, functional, and spatial information, amino acid conservation, physicochemical variation, residue mobility, and thermodynamic stability) indicates that this missense variant is not expected to disrupt ATM protein function with a negative predictive value of 95%. In summary, the available evidence is currently insufficient to determine the role of this variant in disease. Therefore, it has been classified as a Variant of Uncertain Significance.

Department of Pathology and Laboratory Medicine, Sinai Health System
Classification: Uncertain significance for ATM-related cancer predisposition. Last evaluated: 2024-11-04. Review status: criteria provided, single submitter. Criteria: ACMG Guidelines, 2015. Collection method: clinical testing. Allele origin: germline.

Ambry Genetics
Classification: Uncertain significance for Hereditary cancer-predisposing syndrome. Last evaluated: 2023-12-08. Review status: criteria provided, single submitter. Criteria: Ambry Variant Classification Scheme 2023. Collection method: clinical testing. Allele origin: germline.
Comment: The p.T1363A variant (also known as c.4087A>G), located in coding exon 26 of the ATM gene, results from an A to G substitution at nucleotide position 4087. The threonine at codon 1363 is replaced by alanine, an amino acid with similar properties. This alteration was previously reported in at least one individual from a cohort of 278 BRCA1/2-negative individuals with early-onset breast cancer via multiplex panel testing of 22 cancer susceptibility genes (Maxwell KN et al. Genet Med, 2015 Aug;17:630-8). This amino acid position is well conserved in available vertebrate species. In addition, this alteration is predicted to be tolerated by in silico analysis. Since supporting evidence is limited at this time, the clinical significance of this alteration remains unclear.

Color Diagnostics, LLC DBA Color Health
Classification: Uncertain significance for Hereditary cancer-predisposing syndrome. Last evaluated: 2018-12-21. Review status: criteria provided, single submitter. Criteria: ACMG Guidelines, 2015. Collection method: clinical testing. Allele origin: germline.

GeneDx
Classification: Uncertain significance. Last evaluated: 2014-01-16. Review status: criteria provided, single submitter. Criteria: GeneDx Variant Classification (06012015). Collection method: clinical testing. Allele origin: germline. Affected: yes.
Comment: This variant is denoted ATM c.4087A>G at the cDNA level, p.Thr1363Ala (T1363A) at the protein level, and results in the change of a Threonine to an Alanine (ACT>GCT). This variant has not, to our knowledge, been published in the literature as pathogenic or benign. ATM Thr1363Ala was not observed in approximately 6,500 individuals of European and African American ancestry in the NHLBI Exome Sequencing Project, indicating it is not a common benign variant in these populations. This variant is a non-conservative substitution in which a neutral polar amino acid is replaced with a neutral non-polar one, altering a position that is well conserved throughout evolution and is not located in a known functional domain. In silico analyses predict this variant to have a benign effect on protein structure and function. Based on the currently available information, we consider ATM Thr1363Ala to be a variant of uncertain significance.

Literature cited by the submitters: PubMed 25503501 (cited by Department of Pathology and Laboratory Medicine, Sinai Health System and Ambry Genetics); PubMed 33471991 (cited by Department of Pathology and Laboratory Medicine, Sinai Health System).

NM_000051.4(ATM):c.4087A>G (p.Thr1363Ala)

Gene: ATM (ATM serine/threonine kinase; plus strand). Cytogenetic location: 11q22.3.
Variant type: single nucleotide variant.
Coding change: c.4087A>G on transcript NM_000051.4 (MANE Select); coding-DNA position 4087, A replaced by G.
Protein change: p.Thr1363Ala; replaces threonine 1363 with alanine.
Molecular consequence: missense variant.
Genome position (GRCh38, 1-based): chr11:108,287,693, A>G. VCF-style: chr11-108287693-A-G. GRCh37 (hg19) VCF-style: chr11-108158420-A-G.
Other names: p.T1363A:ACT>GCT; c.4087A>G, p.Thr1363Ala (NM_001351834.2); short protein forms T1363A.
Identifiers: ClinVar variation 127381 (VCV000127381.18), dbSNP rs587779837, ClinGen allele CA286828.
Genomic context (GRCh38, chr11:108,287,693, plus strand): 5'-ATTGTGGTGGAGTTATTGATGACGTTACATGAGCCAGCAAATTCTAGTGCCAGTCAGAGC[A>G]CTGACCTCTGTGACTTTTCAGGGTATGTACATTTTAAACTTAGAGAACTAGCTCTAACTT-3'
Protein context (NP_000042.3, residues 1353-1373): EPANSSASQS[Thr1363Ala]DLCDFSGDLD